The following is an entry in ClinVar:

NM_001349253.2(SCN11A):c.763A>C (p.Asn255His)

Gene: SCN11A (sodium voltage-gated channel alpha subunit 11; minus strand). Cytogenetic location: 3p22.2.
Variant type: single nucleotide variant.
Coding change: c.763A>C on transcript NM_001349253.2 (MANE Select); coding-DNA position 763, A replaced by C.
Protein change: p.Asn255His; replaces asparagine 255 with histidine.
Molecular consequence: missense variant.
Genome position (GRCh38, 1-based): chr3:38,921,205, T>G on the plus strand (A>C on the coding strand, the complement: SCN11A is on the minus strand). VCF-style: chr3-38921205-T-G. GRCh37 (hg19) VCF-style: chr3-38962696-T-G.
Other names: c.763A>C, p.Asn255His (NM_014139.3); short protein forms N255H.
Identifiers: ClinVar variation 704628 (VCV000704628.14), dbSNP rs371647806, ClinGen allele CA2322513.
Genomic context (GRCh38, chr3:38,921,205, plus strand): 5'-AGAGCTGCTGACCTACCAGGGCAAAGATGCTGAGGCAAAAGAAGGTGAGGATAATCACGT[T>G]GACCAGCTTCTTCACAGAGCGTAGCAAGGCCCCCACGATGACCTTCAGACCTGAGAAAGA-3'
Protein context (NP_001336182.1, residues 245-265): ALLRSVKKLV[Asn255His]VIILTFFCLS

ClinVar aggregate classification (germline): Benign/Likely benign. Review status: criteria provided, multiple submitters, no conflicts (2 of 4 stars). 3 submissions from 3 submitters: Benign (2); Likely benign (1). Last evaluated 2025-08-19.

Conditions:
Familial episodic pain syndrome with predominantly lower limb involvement. Also called: Episodic pain syndrome, familial, 3. Identifiers: Orphanet 391384, Orphanet 391392, MedGen C3809899, MONDO:0014247, OMIM 615552.
Hereditary sensory and autonomic neuropathy type 7. Also called: HSAN VII; Neuropathy, hereditary sensory and autonomic, type VII. Identifiers: Orphanet 391397, MedGen C3809882, MONDO:0014244, OMIM 615548.
SCN11A-related disorder. Also called: SCN11A-related condition.
Inborn genetic diseases. Identifiers: MedGen C0950123, MeSH D030342.

Allele frequency attached by ClinVar (database versions not stated): gnomAD exomes 0.00009 and 0.00037; gnomAD 0.00011 and 0.00015; 1000 Genomes Project 30x 0.00016; 1000 Genomes Project 0.00020; ExAC 0.00036; TOPMed 0.00037.
gnomAD v4.1: 156 of 1,614,096 alleles (0.0097%); highest among the groups gnomAD compares: East Asian, 0.28%; no homozygotes.

Submissions (3):

PreventionGenetics, part of Exact Sciences
Classification: Benign for SCN11A-related condition. Last evaluated: 2025-08-19. Review status: criteria provided, single submitter. Criteria: ACMG Guidelines, 2015. Collection method: clinical testing. Allele origin: germline.
Comment: This variant is classified as benign based on ACMG/AMP sequence variant interpretation guidelines (Richards et al. 2015 PMID: 25741868, with internal and published modifications).

Labcorp Genetics (formerly Invitae), Labcorp
Classification: Benign for Familial episodic pain syndrome with predominantly lower limb involvement; Hereditary sensory and autonomic neuropathy type 7. Last evaluated: 2025-07-20. Review status: criteria provided, single submitter. Criteria: Invitae Variant Classification Sherloc (09022015). Collection method: clinical testing. Allele origin: germline.

Ambry Genetics
Classification: Likely benign for Inborn genetic diseases. Last evaluated: 2020-01-20. Review status: criteria provided, single submitter. Criteria: Ambry Variant Classification Scheme 2023. Collection method: clinical testing. Allele origin: germline.